The following is an entry in ClinVar:

ClinVar aggregate classification (germline): Likely benign (1 of 4 stars; one submission).

Conditions:
Multiple endocrine neoplasia type 2A. Also called: Multiple Endocrine Neoplasia Type 2A (MEN2A); MULTIPLE ENDOCRINE NEOPLASIA, TYPE IIA; PTC SYNDROME; SIPPLE SYNDROME; MEN 2A; MEN-2A syndrome. Identifiers: Orphanet 247698, Orphanet 653, MedGen C0025268, MeSH D018813, MONDO:0008234, OMIM 171400.

Submission:

Myriad Genetics, Inc.
Classification: Likely benign for Multiple endocrine neoplasia type 2A. Last evaluated: 2025-02-26. Review status: criteria provided, single submitter. Criteria: Myriad Autosomal Dominant, Autosomal Recessive and X-Linked Classification Criteria (2023). Collection method: clinical testing. Allele origin: unknown.
Comment: This variant is considered likely benign. This variant is intronic and is not expected to impact mRNA splicing.

NM_020975.6(RET):c.2285-14G>T

Gene: RET (ret proto-oncogene; plus strand). Cytogenetic location: 10q11.21.
Variant type: single nucleotide variant.
Coding change: c.2285-14G>T on transcript NM_020975.6 (MANE Select); 14 bases into the intron before coding-DNA position 2285, G replaced by T.
Molecular consequence: intron variant.
Genome position (GRCh38, 1-based): chr10:43,118,359, G>T. VCF-style: chr10-43118359-G-T. GRCh37 (hg19) VCF-style: chr10-43613807-G-T.
Other names: c.2285-14G>T (NM_020630.7, NM_001406743.1, NM_001406744.1 and 2 more transcripts); c.2150-14G>T (NM_001406765.1, NM_001406763.1); c.1889-14G>T (NM_001406772.1, NM_001406769.1); c.1847-14G>T (NM_001406773.1, NM_001406771.1); c.1388-14G>T (NM_001406782.1, NM_001406780.1, NM_001406779.1 and 1 more transcripts); c.1253-14G>T (NM_001406787.1); c.1268-14G>T (NM_001406785.1); c.2156-14G>T (NM_001406764.1, NM_001406762.1, NM_001406761.1); and 10 more.
Identifiers: ClinVar variation 3904668 (VCV003904668.1).